The following is an entry in ClinVar:

ClinVar aggregate classification (germline): Likely benign. Review status: criteria provided, multiple submitters, no conflicts (2 of 4 stars). 2 submissions from 2 submitters: Likely benign (2). Last evaluated 2022-12-09.

Conditions:
Landau-Kleffner syndrome (FESD). Also called: EPILEPSY, FOCAL, WITH SPEECH DISORDER AND WITH OR WITHOUT MENTAL RETARDATION; APHASIA, ACQUIRED, WITH EPILEPSY. Identifiers: Orphanet 1945, Orphanet 725, Orphanet 98818, MedGen C0282512, MONDO:0009509, OMIM 245570.

Allele frequency attached by ClinVar (database versions not stated): gnomAD exomes 0.00001.
gnomAD v4.1: 8 of 1,613,606 alleles (0.0005%); highest among the groups gnomAD compares: Non-Finnish European, 0.00034%; no homozygotes.

Submissions (2):

Labcorp Genetics (formerly Invitae), Labcorp
Classification: Likely benign for Landau-Kleffner syndrome. Last evaluated: 2022-12-09. Review status: criteria provided, single submitter. Criteria: Invitae Variant Classification Sherloc (09022015). Collection method: clinical testing. Allele origin: germline.

CeGaT Center for Human Genetics Tuebingen
Classification: Likely benign. Last evaluated: 2022-08-01. Review status: criteria provided, single submitter. Criteria: CeGaT Center For Human Genetics Tuebingen Variant Classification Criteria Version 2. Collection method: clinical testing. Allele origin: germline. Affected: yes. Observed: 1 variant allele.
Comment: GRIN2A: PP3, BS2

NM_001134407.3(GRIN2A):c.145C>A (p.Arg49Ser)

Gene: GRIN2A (glutamate ionotropic receptor NMDA type subunit 2A; minus strand). Cytogenetic location: 16p13.2.
Variant type: single nucleotide variant.
Coding change: c.145C>A on transcript NM_001134407.3 (MANE Select); coding-DNA position 145, C replaced by A.
Protein change: p.Arg49Ser; replaces arginine 49 with serine.
Molecular consequence: missense variant.
Genome position (GRCh38, 1-based): chr16:10,180,267, G>T on the plus strand (C>A on the coding strand, the complement: GRIN2A is on the minus strand). VCF-style: chr16-10180267-G-T. GRCh37 (hg19) VCF-style: chr16-10274124-G-T.
Other names: c.145C>A, p.Arg49Ser (NM_000833.5, NM_001134408.2); short protein forms R49S.
Identifiers: ClinVar variation 647840 (VCV000647840.33), dbSNP rs1413736970, ClinGen allele CA394715634.